The following is an entry in ClinVar:

NM_015450.3(POT1):c.396G>A (p.Met132Ile)

Gene: POT1 (protection of telomeres 1; minus strand). Cytogenetic location: 7q31.33.
Variant type: single nucleotide variant.
Coding change: c.396G>A on transcript NM_015450.3 (MANE Select); coding-DNA position 396, G replaced by A.
Protein change: p.Met132Ile; replaces methionine 132 with isoleucine.
Molecular consequence: missense variant. On other transcripts: non-coding transcript variant (3), initiator codon variant (1).
Genome position (GRCh38, 1-based): chr7:124,863,500, C>T on the plus strand (G>A on the coding strand, the complement: POT1 is on the minus strand). VCF-style: chr7-124863500-C-T. GRCh37 (hg19) VCF-style: chr7-124503554-C-T.
Other names: c.3G>A, p.Met1Ile (NM_001042594.2); c.396G>A (NM_015450.2); short protein forms M1I, M132I.
Identifiers: ClinVar variation 1384165 (VCV001384165.7), dbSNP rs2116542026, ClinGen allele CA369059557.
Genomic context (GRCh38, chr7:124,863,500, plus strand): 5'-TTTTAGTAATGTCCAAGACGGTGACATATGAGTAGATGCCCAAACACGTAAGGCTTCTAC[C>T]ATTTTGTGGTCCTCAGTAGTGAAGTTAAAATACTTGCTTGAAGTGCGAGGTATGATAGGG-3'
Protein context (NP_056265.2, residues 122-142): YFNFTTEDHK[Met132Ile]VEALRVWAST

ClinVar aggregate classification (germline): Uncertain significance. Review status: criteria provided, multiple submitters, no conflicts (2 of 4 stars). 2 submissions from 2 submitters: Uncertain significance (2). Last evaluated 2026-07-30.

Conditions:
Hereditary cancer-predisposing syndrome. Also called: Hereditary Cancer Syndrome; Neoplastic Syndromes, Hereditary; Hereditary neoplastic syndrome; Tumor predisposition. Identifiers: Orphanet 140162, MedGen C0027672, MeSH D009386, MONDO:0015356.
Tumor predisposition syndrome 3 (TPDS3). Also called: Glioma susceptibility 9; LONG TELOMERE SYNDROME, POT1-RELATED; POT1 Tumor Predisposition; Melanoma, cutaneous malignant, susceptibility to, 10. Identifiers: Orphanet 618, MedGen C4014476, MONDO:0014368, OMIM 615848.

Allele frequency attached by ClinVar (database versions not stated): gnomAD exomes below 0.00001.

Submissions (2):

Ambry Genetics
Classification: Uncertain significance for Hereditary cancer-predisposing syndrome. Last evaluated: 2026-07-30. Review status: criteria provided, single submitter. Criteria: Ambry Variant Classification Scheme 2023. Collection method: clinical testing. Allele origin: germline.
Comment: The p.M132I variant (also known as c.396G>A), located in coding exon 4 of the POT1 gene, results from a G to A substitution at nucleotide position 396. The methionine at codon 132 is replaced by isoleucine, an amino acid with highly similar properties. This amino acid position is conserved. In addition, this alteration is predicted to be tolerated by in silico analysis. Based on the available evidence, the clinical significance of this variant remains unclear.

Labcorp Genetics (formerly Invitae), Labcorp
Classification: Uncertain significance for Tumor predisposition syndrome 3. Last evaluated: 2021-10-02. Review status: criteria provided, single submitter. Criteria: Invitae Variant Classification Sherloc (09022015). Collection method: clinical testing. Allele origin: germline.
Comment: This sequence change replaces methionine with isoleucine at codon 132 of the POT1 protein (p.Met132Ile). The methionine residue is moderately conserved and there is a small physicochemical difference between methionine and isoleucine. In summary, the available evidence is currently insufficient to determine the role of this variant in disease. Therefore, it has been classified as a Variant of Uncertain Significance. Algorithms developed to predict the effect of missense changes on protein structure and function output the following: SIFT: "Tolerated"; PolyPhen-2: "Benign"; Align-GVGD: "Class C0". The isoleucine amino acid residue is found in multiple mammalian species, which suggests that this missense change does not adversely affect protein function. This variant has not been reported in the literature in individuals affected with POT1-related conditions. This variant is not present in population databases (ExAC no frequency).